The following is an entry in ClinVar:

NM_001048174.2(MUTYH):c.264+11G>A

Gene: MUTYH (mutY DNA glycosylase; minus strand). Cytogenetic location: 1p34.1.
Variant type: single nucleotide variant.
Coding change: c.264+11G>A on transcript NM_001048174.2 (MANE Select); 11 bases into the intron after coding-DNA position 264, G replaced by A.
Molecular consequence: intron variant.
Genome position (GRCh38, 1-based): chr1:45,333,402, C>T on the plus strand (G>A on the coding strand, the complement: MUTYH is on the minus strand). VCF-style: chr1-45333402-C-T. GRCh37 (hg19) VCF-style: chr1-45799074-C-T.
Other names: c.-8+11G>A (NM_001350651.2, NM_001350650.2); c.-13+11G>A (NM_001293192.2, NM_001293196.2); c.264+11G>A (NM_001048171.2, NM_001048173.2, NM_001293195.2); c.309+11G>A (NM_001293190.2); c.339+11G>A (NM_012222.3); c.348+11G>A (NM_001128425.2); c.267+11G>A (NM_001048172.2); c.297+11G>A (NM_001293191.2).
Identifiers: ClinVar variation 138309 (VCV000138309.27), dbSNP rs139977567, ClinGen allele CA013402.

ClinVar aggregate classification (germline): Benign/Likely benign. Review status: criteria provided, multiple submitters, no conflicts (2 of 4 stars). 10 submissions from 10 submitters: Benign (5); Likely benign (2). 3 of the submissions do not count toward it. Last evaluated 2026-02-03.

Conditions:
Hereditary cancer-predisposing syndrome. Also called: Tumor predisposition; Hereditary neoplastic syndrome; Neoplastic Syndromes, Hereditary; Hereditary Cancer Syndrome. Identifiers: Orphanet 140162, MedGen C0027672, MeSH D009386, MONDO:0015356.
Carcinoma of colon (CRC). Also called: Colonic carcinoma; Colon carcinoma. Identifiers: MedGen C0699790, MONDO:0002032.
Familial adenomatous polyposis 2. Also called: MUTYH-related attenuated familial adenomatous polyposis; MUTYH Polyposis; ADENOMAS, MULTIPLE COLORECTAL, AUTOSOMAL RECESSIVE; MUTYH-associated polyposis; MYH-associated polyposis; COLORECTAL ADENOMATOUS POLYPOSIS, AUTOSOMAL RECESSIVE. Identifiers: Orphanet 220460, Orphanet 247798, MedGen C3272841, MONDO:0012041, OMIM 608456.

Allele frequency attached by ClinVar (database versions not stated): gnomAD 0.00044 and 0.00068; gnomAD exomes 0.00052 and 0.00171; TOPMed 0.00087; ExAC 0.00176; 1000 Genomes Project 0.00399; 1000 Genomes Project 30x 0.00406.
gnomAD v4.1: 854 of 1,614,156 alleles (0.053%); highest among the groups gnomAD compares: East Asian, 1.7%; 12 homozygotes.

Submissions (10):

Labcorp Genetics (formerly Invitae), Labcorp
Classification: Benign for Familial adenomatous polyposis 2. Last evaluated: 2026-02-03. Review status: criteria provided, single submitter. Criteria: Invitae Variant Classification Sherloc (09022015). Collection method: clinical testing. Allele origin: germline.

Center for Genomic Medicine, Rigshospitalet, Copenhagen University Hospital
Classification: Benign. Last evaluated: 2025-03-04. Review status: criteria provided, single submitter. Criteria: ACMG Guidelines, 2015. Collection method: clinical testing. Allele origin: germline.

Blueprint Genetics
Classification: Likely benign. Last evaluated: 2024-11-18. Review status: criteria provided, single submitter. Criteria: ACMG Guidelines, 2015. Collection method: clinical testing. Allele origin: germline.

Illumina Laboratory Services, Illumina
Classification: Likely benign for Familial adenomatous polyposis 2. Last evaluated: 2018-01-13. Review status: criteria provided, single submitter. Criteria: ICSL Variant Classification Criteria 13 December 2019. Collection method: clinical testing. Allele origin: germline.
Comment: This variant was observed in the ICSL laboratory as part of a predisposition screen in an ostensibly healthy population. It had not been previously curated by ICSL or reported in the Human Gene Mutation Database (HGMD: prior to June 1st, 2018), and was therefore a candidate for classification through an automated scoring system. Utilizing variant allele frequency, disease prevalence and penetrance estimates, and inheritance mode, an automated score was calculated to assess if this variant is too frequent to cause the disease. Based on the score and internal cut-off values, a variant classified as likely benign is not then subjected to further curation. The score for this variant resulted in a classification of likely benign for this disease.

PreventionGenetics, part of Exact Sciences
Classification: Benign. Last evaluated: 2017-08-10. Review status: criteria provided, single submitter. Criteria: ACMG Guidelines, 2015. Collection method: clinical testing. Allele origin: germline.

Color Diagnostics, LLC DBA Color Health
Classification: Benign for Hereditary cancer-predisposing syndrome. Last evaluated: 2016-05-03. Review status: criteria provided, single submitter. Criteria: ACMG Guidelines, 2015. Collection method: clinical testing. Allele origin: germline.

GeneDx
Classification: Benign. Last evaluated: 2014-04-14. Review status: criteria provided, single submitter. Criteria: GeneDx Variant Classification (06012015). Collection method: clinical testing. Allele origin: germline. Affected: yes.
Comment: This variant is considered likely benign or benign based on one or more of the following criteria: it is a conservative change, it occurs at a poorly conserved position in the protein, it is predicted to be benign by multiple in silico algorithms, and/or has population frequency not consistent with disease.

Clinical Genetics, Academic Medical Center
Classification: Benign. Review status: no assertion criteria provided. Collection method: clinical testing. Allele origin: germline. Affected: yes. Study: VKGL Data-share Consensus. Not counted in ClinVar's aggregate classification.

Department of Pathology and Laboratory Medicine, Sinai Health System
Classification: Likely benign for Carcinoma of colon. Review status: no assertion criteria provided. Collection method: clinical testing. Allele origin: unknown. Affected: yes. Observed: 2 variant alleles. Study: The Canadian Open Genetics Repository (COGR). Not counted in ClinVar's aggregate classification.
Comment: The MUTYH c.348+11G>A variant was identified in 1 of 110 proband chromosomes (frequency: 0.001) from individuals or families with lung cancer (Shinmura 2001). The variant was also identified in dbSNP (ID: rs139977567) as With Uncertain significance allele, ClinVar (classified as benign by GeneDx; classified as uncertain significance by Illumina), Clinvitae, Insight Colon Cancer Gene Variant Database, databases. The variant was not identified in UMD-LSDB database. The variant was identified in control databases in 445 (8 homozygous) of 277170 chromosomes at a frequency of 0.0016 increasing the likelihood this could be a low frequency benign variant (Genome Aggregation Consortium Feb 27, 2017). The variant occurs outside of the splicing consensus sequence and 1 of 5 in silico or computational prediction software programs (SpliceSiteFinder, MaxEntScan, NNSPLICE, GeneSplicer, HumanSpliceFinder) predict a greater than 10% difference in splicing; this is not very predictive of pathogenicity. In summary, based on the above information, the clinical significance of this variant cannot be determined with certainty at this time although we would lean towards a more benign role for this variant. This variant is classified as likely benign.

Laboratory of Diagnostic Genome Analysis, Leiden University Medical Center (LUMC)
Classification: Benign. Review status: no assertion criteria provided. Collection method: clinical testing. Allele origin: germline. Affected: yes. Study: VKGL Data-share Consensus. Not counted in ClinVar's aggregate classification.